The following is an entry in ClinVar:

NM_000466.3(PEX1):c.319G>A (p.Glu107Lys)

Gene: PEX1 (peroxisomal biogenesis factor 1; minus strand). Cytogenetic location: 7q21.2.
Variant type: single nucleotide variant.
Coding change: c.319G>A on transcript NM_000466.3 (MANE Select); coding-DNA position 319, G replaced by A.
Protein change: p.Glu107Lys; replaces glutamic acid 107 with lysine.
Molecular consequence: missense variant. On other transcripts: 5 prime UTR variant (1).
Genome position (GRCh38, 1-based): chr7:92,519,033, C>T on the plus strand (G>A on the coding strand, the complement: PEX1 is on the minus strand). VCF-style: chr7-92519033-C-T. GRCh37 (hg19) VCF-style: chr7-92148347-C-T.
Other names: c.319G>A, p.Glu107Lys (NM_001282677.2); c.-341G>A (NM_001282678.2); c.319G>A (NM_000466.2); short protein forms E107K.
Identifiers: ClinVar variation 1478374 (VCV001478374.7), dbSNP rs1272833716, ClinGen allele CA368203082.

ClinVar aggregate classification (germline): Uncertain significance. Review status: criteria provided, multiple submitters, no conflicts (2 of 4 stars). 3 submissions from 3 submitters: Uncertain significance (3). Last evaluated 2024-09-23.

Conditions:
Zellweger spectrum disorders (ZS). Also called: Zellweger Spectrum Disorder; Zellweger Spectrum; Zellweger Spectrum Disorder (ZSD); Zellweger syndrome. Identifiers: Orphanet 912, MedGen C0043459, MONDO:0019609.
Inborn genetic diseases. Identifiers: MedGen C0950123, MeSH D030342.

Allele frequency attached by ClinVar (database versions not stated): gnomAD exomes below 0.00001.

Submissions (3):

Blueprint Genetics
Classification: Uncertain significance. Last evaluated: 2024-09-23. Review status: criteria provided, single submitter. Criteria: ACMG Guidelines, 2015. Collection method: clinical testing. Allele origin: germline.

Labcorp Genetics (formerly Invitae), Labcorp
Classification: Uncertain significance for Zellweger spectrum disorders. Last evaluated: 2022-10-24. Review status: criteria provided, single submitter. Criteria: Invitae Variant Classification Sherloc (09022015). Collection method: clinical testing. Allele origin: germline.
Comment: This sequence change replaces glutamic acid, which is acidic and polar, with lysine, which is basic and polar, at codon 107 of the PEX1 protein (p.Glu107Lys). This variant is not present in population databases (gnomAD no frequency). This variant has not been reported in the literature in individuals affected with PEX1-related conditions. ClinVar contains an entry for this variant (Variation ID: 1478374). Advanced modeling of protein sequence and biophysical properties (such as structural, functional, and spatial information, amino acid conservation, physicochemical variation, residue mobility, and thermodynamic stability) performed at Invitae indicates that this missense variant is not expected to disrupt PEX1 protein function. In summary, the available evidence is currently insufficient to determine the role of this variant in disease. Therefore, it has been classified as a Variant of Uncertain Significance.

Ambry Genetics
Classification: Uncertain significance for Inborn genetic diseases. Last evaluated: 2022-02-25. Review status: criteria provided, single submitter. Criteria: Ambry Variant Classification Scheme 2023. Collection method: clinical testing. Allele origin: germline.